The following is an entry in ClinVar:

ClinVar aggregate classification (germline): Uncertain significance (1 of 4 stars; one submission).

Allele frequency attached by ClinVar (database versions not stated): ExAC 0.00001.
gnomAD v4.1: 44 of 1,610,742 alleles (0.0027%); highest among the groups gnomAD compares: Non-Finnish European, 0.0037%; no homozygotes.

Submission:

Women's Health and Genetics/Laboratory Corporation of America, LabCorp
Classification: Uncertain significance. Last evaluated: 2023-12-15. Review status: criteria provided, single submitter. Criteria: LabCorp Variant Classification Summary - May 2015. Collection method: clinical testing. Allele origin: germline.
Comment: Variant summary: TELO2 c.1826G>T (p.Arg609Leu) results in a non-conservative amino acid change located in the Telomere length regulation protein, conserved domain (IPR019337) of the encoded protein sequence. Five of five in-silico tools predict a damaging effect of the variant on protein function. The variant allele was found at a frequency of 8e-06 in 249376 control chromosomes. The available data on variant occurrences in the general population are insufficient to allow any conclusion about variant significance. To our knowledge, no occurrence of c.1826G>T in individuals affected with TELO2-Related Intellectual Disability-Neurodevelopmental Disorder and no experimental evidence demonstrating its impact on protein function have been reported. A different variant located at the same codon (c.1826G>A, p.Arg609His) has been classified as pathogenic in association with You-Hoover-Fong syndrome, however, current evidence is insufficient to conclude whether this residue is critical to TELO2 protein function. No submitters have cited clinical-significance assessments for this variant to ClinVar after 2014. Based on the evidence outlined above, the variant was classified as uncertain significance.

NM_016111.4(TELO2):c.1826G>T (p.Arg609Leu)

Gene: TELO2 (telomere maintenance 2; plus strand). Cytogenetic location: 16p13.3.
Variant type: single nucleotide variant.
Coding change: c.1826G>T on transcript NM_016111.4 (MANE Select); coding-DNA position 1826, G replaced by T.
Protein change: p.Arg609Leu; replaces arginine 609 with leucine.
Molecular consequence: missense variant.
Genome position (GRCh38, 1-based): chr16:1,502,986, G>T. VCF-style: chr16-1502986-G-T. GRCh37 (hg19) VCF-style: chr16-1552987-G-T.
Other names: c.1826G>T, p.Arg609Leu (NM_001351846.2); short protein forms R609L.
Identifiers: ClinVar variation 2691291 (VCV002691291.1), dbSNP rs754162070, ClinGen allele CA7812351.